The following is an entry in ClinVar:

ClinVar aggregate classification (germline): Uncertain significance. Review status: criteria provided, multiple submitters, no conflicts (2 of 4 stars). 2 submissions from 2 submitters: Uncertain significance (2). Last evaluated 2025-10-14.

Conditions:
Cardiovascular phenotype. Identifiers: MedGen CN230736.
Walker-Warburg congenital muscular dystrophy. Also called: Muscular dystrophy-dystroglycanopathy, type A; Walker-Warburg syndrome. Identifiers: Orphanet 899, MedGen C0265221, MONDO:0000171.

Allele frequency attached by ClinVar (database versions not stated): gnomAD exomes below 0.00001.
gnomAD v4.1: 2 of 1,612,888 alleles (0.00012%); highest among the groups gnomAD compares: South Asian, 0.0022%; no homozygotes.

Submissions (2):

Ambry Genetics
Classification: Uncertain significance for Cardiovascular phenotype. Last evaluated: 2025-10-14. Review status: criteria provided, single submitter. Criteria: Ambry Variant Classification Scheme 2023. Collection method: clinical testing. Allele origin: germline.
Comment: The p.Q100P variant (also known as c.299A>C), located in coding exon 3 of the FKTN gene, results from an A to C substitution at nucleotide position 299. The glutamine at codon 100 is replaced by proline, an amino acid with similar properties. This amino acid position is conserved. In addition, the in silico prediction for this alteration is inconclusive. Based on the available evidence, the clinical significance of this variant remains unclear.

Labcorp Genetics (formerly Invitae), Labcorp
Classification: Uncertain significance for Walker-Warburg congenital muscular dystrophy. Last evaluated: 2024-01-17. Review status: criteria provided, single submitter. Criteria: Invitae Variant Classification Sherloc (09022015). Collection method: clinical testing. Allele origin: germline.
Comment: This sequence change replaces glutamine, which is neutral and polar, with proline, which is neutral and non-polar, at codon 100 of the FKTN protein (p.Gln100Pro). This variant is not present in population databases (gnomAD no frequency). This variant has not been reported in the literature in individuals affected with FKTN-related conditions. ClinVar contains an entry for this variant (Variation ID: 1346400). Advanced modeling of protein sequence and biophysical properties (such as structural, functional, and spatial information, amino acid conservation, physicochemical variation, residue mobility, and thermodynamic stability) performed at Invitae indicates that this missense variant is not expected to disrupt FKTN protein function with a negative predictive value of 80%. In summary, the available evidence is currently insufficient to determine the role of this variant in disease. Therefore, it has been classified as a Variant of Uncertain Significance.

NM_001079802.2(FKTN):c.299A>C (p.Gln100Pro)

Gene: FKTN (fukutin; plus strand). Cytogenetic location: 9q31.2.
Variant type: single nucleotide variant.
Coding change: c.299A>C on transcript NM_001079802.2 (MANE Select); coding-DNA position 299, A replaced by C.
Protein change: p.Gln100Pro; replaces glutamine 100 with proline.
Molecular consequence: missense variant. On other transcripts: 5 prime UTR variant (4), non-coding transcript variant (2).
Genome position (GRCh38, 1-based): chr9:105,601,278, A>C. VCF-style: chr9-105601278-A-C. GRCh37 (hg19) VCF-style: chr9-108363559-A-C.
Other names: c.299A>C, p.Gln100Pro (NM_001198963.2, NM_001351496.2, NM_001351498.2 and 1 more transcripts); c.230A>C, p.Gln77Pro (NM_001351497.2); c.-216A>C (NM_001351499.2, NM_001351500.2, NM_001351501.2 and 1 more transcripts); c.299A>C (NM_001079802.1); short protein forms Q100P, Q77P.
Identifiers: ClinVar variation 1346400 (VCV001346400.8), dbSNP rs1827828109, ClinGen allele CA374331683.